The following is an entry in ClinVar:

NM_001365536.1(SCN9A):c.5278C>A (p.Leu1760Met)

Genes: SCN1A-AS1 (SCN1A and SCN9A antisense RNA 1; plus strand), SCN9A (sodium voltage-gated channel alpha subunit 9; minus strand). Cytogenetic location: 2q24.3.
Variant type: single nucleotide variant.
Coding change: c.5278C>A on transcript NM_001365536.1 (MANE Select); coding-DNA position 5278, C replaced by A.
Protein change: p.Leu1760Met; replaces leucine 1760 with methionine.
Molecular consequence: missense variant.
Genome position (GRCh38, 1-based): chr2:166,199,361, G>T on the plus strand (C>A on the coding strand, the complement: SCN9A is on the minus strand). VCF-style: chr2-166199361-G-T. GRCh37 (hg19) VCF-style: chr2-167055871-G-T.
Other names: c.5245C>A, p.Leu1749Met (NM_002977.4); short protein forms L1749M, L1760M.
Identifiers: ClinVar variation 3158580 (VCV003158580.3), dbSNP rs367959290, ClinGen allele CA1943700.

ClinVar aggregate classification (germline): Uncertain significance. Review status: criteria provided, multiple submitters, no conflicts (2 of 4 stars). 2 submissions from 2 submitters: Uncertain significance (2). Last evaluated 2024-02-28.

Conditions:
Inborn genetic diseases. Identifiers: MedGen C0950123, MeSH D030342.
Channelopathy-associated congenital insensitivity to pain, autosomal recessive. Also called: ASYMBOLIA FOR PAIN; CONGENITAL ANALGESIA, AUTOSOMAL RECESSIVE; Insensitivity to pain, channelopathy-associated. Identifiers: Orphanet 88642, Orphanet 970, MedGen C1855739, MONDO:0009459, OMIM 243000.
Paroxysmal extreme pain disorder (PEXPD). Also called: PAIN, SUBMANDIBULAR, OCULAR, AND RECTAL, WITH FLUSHING; RECTAL PAIN, FAMILIAL; SCN9A Paroxysmal Extreme Pain Disorder (SCN9A-PEPD). Identifiers: Orphanet 46348, MedGen C1833661, MONDO:0008179, OMIM 167400.
Primary erythromelalgia. Also called: SCN9A Erythromelalgia (SCN9A-EM); primary erythermalgia. Identifiers: Orphanet 306577, Orphanet 90026, MedGen C0014805, MONDO:0007571, OMIM 133020.

Allele frequency attached by ClinVar (database versions not stated): TOPMed 0.00002.
gnomAD v4.1: 9 of 1,614,144 alleles (0.00056%); highest among the groups gnomAD compares: East Asian, 0.013%; no homozygotes.

Submissions (2):

Ambry Genetics
Classification: Uncertain significance for Inborn genetic diseases. Last evaluated: 2024-02-28. Review status: criteria provided, single submitter. Criteria: Ambry Variant Classification Scheme 2023. Collection method: clinical testing. Allele origin: germline.

Juno Genomics, Hangzhou Juno Genomics, Inc
Classification: Uncertain significance for Primary erythromelalgia; Channelopathy-associated congenital insensitivity to pain, autosomal recessive; Paroxysmal extreme pain disorder. Review status: criteria provided, single submitter. Criteria: ACMG Guidelines, 2015. Collection method: clinical testing. Allele origin: germline.
Comment: Absent from controls (or at extremely low frequency if recessive) in Genome Aggregation Database.;Multiple lines of computational evidence support a deleterious effect on the gene or gene product.